The following is an entry in ClinVar:

NM_144670.6(A2ML1):c.3108-1G>C

Gene: A2ML1 (alpha-2-macroglobulin like 1; plus strand). Cytogenetic location: 12p13.31.
Variant type: single nucleotide variant.
Coding change: c.3108-1G>C on transcript NM_144670.6 (MANE Select); the canonical splice acceptor site of the intron before coding-DNA position 3108, G replaced by C.
Molecular consequence: splice acceptor variant.
Genome position (GRCh38, 1-based): chr12:8,857,945, G>C. VCF-style: chr12-8857945-G-C. GRCh37 (hg19) VCF-style: chr12-9010541-G-C.
Other names: c.1635-1G>C (NM_001282424.3).
Identifiers: ClinVar variation 4716617 (VCV004716617.1).

ClinVar aggregate classification (germline): Uncertain significance (1 of 4 stars; one submission).

gnomAD v4.1: 1 of 1,613,874 alleles (0.000062%); highest among the groups gnomAD compares: Non-Finnish European, 0.000085%; no homozygotes.

Submission:

Labcorp Genetics (formerly Invitae), Labcorp
Classification: Uncertain significance. Last evaluated: 2025-04-11. Review status: criteria provided, single submitter. Criteria: Invitae Variant Classification Sherloc (09022015). Collection method: clinical testing. Allele origin: germline.
Comment: This sequence change affects an acceptor splice site in intron 25 of the A2ML1 gene. It is expected to disrupt RNA splicing. Variants that disrupt the donor or acceptor splice site typically lead to a loss of protein function (PMID: 16199547), however the current clinical and genetic evidence is not sufficient to establish whether loss-of-function variants in A2ML1 cause disease. This variant is not present in population databases (gnomAD no frequency). This variant has not been reported in the literature in individuals affected with A2ML1-related conditions. Algorithms developed to predict the effect of sequence changes on RNA splicing suggest that this variant may disrupt the consensus splice site. In summary, the available evidence is currently insufficient to determine the role of this variant in disease. Therefore, it has been classified as a Variant of Uncertain Significance.

Literature cited by the submitters: PubMed 16199547.